The following continues an entry in ClinVar:

NM_000543.5(SMPD1):c.995C>G (p.Pro332Arg)

Gene: SMPD1. ClinVar aggregate classification (germline): Conflicting classifications of pathogenicity. Pathogenic (2); Likely pathogenic (4); Uncertain significance (11).

Submissions 10 to 21 of 21:

Department of Pathology and Laboratory Medicine, Sinai Health System
Classification: Uncertain significance for Niemann-Pick disease, type A; Niemann-Pick disease, type B. Last evaluated: 2023-02-15. Review status: criteria provided, single submitter. Criteria: ACMG Guidelines, 2015. Collection method: research. Allele origin: germline.

Genome-Nilou Lab
Classification: Likely pathogenic for Niemann-Pick disease, type A. Last evaluated: 2021-05-18. Review status: criteria provided, single submitter. Criteria: ACMG Guidelines, 2015. Collection method: clinical testing. Allele origin: germline. Affected: no.

Broad Center for Mendelian Genomics, Broad Institute of MIT and Harvard
Classification: Uncertain significance for Sphingomyelin/cholesterol lipidosis. Last evaluated: 2020-01-22. Review status: criteria provided, single submitter. Criteria: ACMG Guidelines, 2015. Collection method: curation. Allele origin: germline. Inheritance: Autosomal recessive inheritance.
Comment: The p.Pro332Arg variant in SMPD1 (also known as p.Pro330Arg due to a difference in cDNA numbering) has been reported in 2 individuals with Niemann-Pick disease (PMID: 15545621, 19050888) and has been identified in 0.526% (105/19950) of East Asian chromosomes, and at lower frequencies in other populations, by the Genome Aggregation Database (gnomAD; dbSNP rs202081954). This variant has also been reported in ClinVar (VariationID: 403463) as a VUS by the Laboratory for Molecular Medicine, Counsyl, and EGL Genetic Diagnostics. Computational prediction tools and conservation analyses suggest that this variant may impact the protein, though this information is not predictive enough to determine pathogenicity. The presence of this variant in 2 homozygotes with Niemann-Pick disease increases the likelihood that the p.Pro332Arg variant is pathogenic (PMID: 15545621). In summary, the clinical significance of the p.Pro332Arg variant is uncertain. ACMG/AMP Criteria applied: BS1, PM3, PP3 (Richards 2015).

Eurofins Ntd Llc (ga)
Classification: Uncertain significance. Last evaluated: 2018-04-19. Review status: criteria provided, single submitter. Criteria: EGL ClinVar v180209 classification definitions. Collection method: clinical testing. Allele origin: germline. Observed: 3 variant alleles, 3 heterozygotes.

Illumina Laboratory Services, Illumina
Classification: Uncertain significance for Niemann-Pick disease, type A. Last evaluated: 2017-04-28. Review status: criteria provided, single submitter. Criteria: ICSL Variant Classification Criteria 13 December 2019. Collection method: clinical testing. Allele origin: germline.

Laboratory for Molecular Medicine, Mass General Brigham Personalized Medicine
Classification: Uncertain significance. Last evaluated: 2016-03-28. Review status: criteria provided, single submitter. Criteria: LMM Criteria. Collection method: clinical testing. Allele origin: germline.
Comment: Variant identified in a genome or exome case(s) and assessed due to predicted null impact of the variant or pathogenic assertions in the literature or databases. Disclaimer: This variant has not undergone full assessment. The following are preliminary notes: Reported in an individual with Niemann Pick disease (Simanaro 2002). MAF 0.5% in East Asian chromosomes.

Baylor Genetics
Classification: Uncertain significance for Niemann-Pick disease, type B. Review status: criteria provided, single submitter. Criteria: ACMG Guidelines, 2015. Collection method: clinical testing. Allele origin: unknown.

Juno Genomics, Hangzhou Juno Genomics, Inc
Classification: Likely pathogenic for Niemann-Pick disease, type A; Niemann-Pick disease, type B. Review status: criteria provided, single submitter. Criteria: ACMG Guidelines, 2015. Collection method: clinical testing. Allele origin: germline.
Comment: Multiple lines of computational evidence support a deleterious effect on the gene or gene product.;For recessive disorders, detected in trans with a pathogenic variant.;Patient's phenotype or family history is highly specific for a disease with a single genetic etiology.

Baylor Genetics
Classification: Uncertain significance for Niemann-Pick disease, type A. Last evaluated: 2022-02-04. Review status: no assertion criteria provided. Collection method: clinical testing. Allele origin: unknown. Not counted in ClinVar's aggregate classification.

Natera, Inc.
Classification: Uncertain significance for Niemann-Pick disease. Last evaluated: 2020-09-16. Review status: no assertion criteria provided. Collection method: clinical testing. Allele origin: germline. Not counted in ClinVar's aggregate classification.

Clinical Genetics DNA and cytogenetics Diagnostics Lab, Erasmus MC, Erasmus Medical Center
Classification: Likely benign. Review status: no assertion criteria provided. Collection method: clinical testing. Allele origin: germline. Affected: yes. Study: VKGL Data-share Consensus. Not counted in ClinVar's aggregate classification.

Laboratory of Diagnostic Genome Analysis, Leiden University Medical Center (LUMC)
Classification: Likely benign. Review status: no assertion criteria provided. Collection method: clinical testing. Allele origin: germline. Affected: yes. Study: VKGL Data-share Consensus. Not counted in ClinVar's aggregate classification.

Literature cited by the submitters: PubMed 15545621 (cited by 3 submitters); PubMed 17011332 (cited by Labcorp Genetics (formerly Invitae), Labcorp and Myriad Genetics, Inc.); PubMed 19050888 (cited by 3 submitters); PubMed 33333704 (cited by Myriad Genetics, Inc.); PubMed 38739391 (cited by Myriad Genetics, Inc.); PubMed 12369017 (cited by 4 submitters); PubMed 27238910 (cited by Women's Health and Genetics/Laboratory Corporation of America, LabCorp and Broad Center for Mendelian Genomics, Broad Institute of MIT and Harvard); PubMed 31980526 (cited by Women's Health and Genetics/Laboratory Corporation of America, LabCorp); PubMed 23871123 (cited by Women's Health and Genetics/Laboratory Corporation of America, LabCorp and Baylor Genetics); PubMed 33675270 (cited by Women's Health and Genetics/Laboratory Corporation of America, LabCorp); PubMed 34867278 (cited by Women's Health and Genetics/Laboratory Corporation of America, LabCorp).